The following is an entry in ClinVar:

NM_001040108.2(MLH3):c.2561A>G (p.Lys854Arg)

Gene: MLH3 (mutL homolog 3; minus strand). Cytogenetic location: 14q24.3.
Variant type: single nucleotide variant.
Coding change: c.2561A>G on transcript NM_001040108.2 (MANE Select); coding-DNA position 2561, A replaced by G.
Protein change: p.Lys854Arg; replaces lysine 854 with arginine.
Molecular consequence: missense variant.
Genome position (GRCh38, 1-based): chr14:75,047,095, T>C on the plus strand (A>G on the coding strand, the complement: MLH3 is on the minus strand). VCF-style: chr14-75047095-T-C. GRCh37 (hg19) VCF-style: chr14-75513798-T-C.
Other names: c.2561A>G, p.Lys854Arg (NM_014381.3); short protein forms K854R.
Identifiers: ClinVar variation 2561682 (VCV002561682.3), dbSNP rs1892291132, ClinGen allele CA390439870.

ClinVar aggregate classification (germline): Uncertain significance (1 of 4 stars; one submission).

Allele frequency attached by ClinVar (database versions not stated): gnomAD exomes below 0.00001.
gnomAD v4.1: 1 of 1,614,200 alleles (0.000062%); highest among the groups gnomAD compares: Non-Finnish European, 0.000085%; no homozygotes.

Submission:

Ambry Genetics
Classification: Uncertain significance. Last evaluated: 2025-07-12. Review status: criteria provided, single submitter. Criteria: Ambry Variant Classification Scheme 2023. Collection method: clinical testing. Allele origin: germline.
Comment: The p.K854R variant (also known as c.2561A>G), located in coding exon 1 of the MLH3 gene, results from an A to G substitution at nucleotide position 2561. The lysine at codon 854 is replaced by arginine, an amino acid with highly similar properties. This amino acid position is conserved. In addition, this alteration is predicted to be tolerated by in silico analysis. Since supporting evidence is limited at this time, the clinical significance of this alteration remains unclear.